The following is an entry in ClinVar:

ClinVar aggregate classification (germline): Likely benign. Review status: criteria provided, multiple submitters, no conflicts (2 of 4 stars). 3 submissions from 3 submitters: Likely benign (2). 1 of the submissions does not count toward it. Last evaluated 2025-02-24.

Conditions:
ACY1-related disorder. Also called: ACY1-related condition.

Allele frequency attached by ClinVar (database versions not stated): gnomAD exomes 0.00008 and 0.00020; ExAC 0.00019; 1000 Genomes Project 30x 0.00031; 1000 Genomes Project 0.00040; ESP Exome Variant Server 0.00054; gnomAD 0.00067; TOPMed 0.00080.
gnomAD v4.1: 220 of 1,614,198 alleles (0.014%); highest among the groups gnomAD compares: African/African-American, 0.21%; 2 homozygotes.

Submissions (3):

Labcorp Genetics (formerly Invitae), Labcorp
Classification: Likely benign. Last evaluated: 2025-02-24. Review status: criteria provided, single submitter. Criteria: Invitae Variant Classification Sherloc (09022015). Collection method: clinical testing. Allele origin: germline.

Blueprint Genetics
Classification: Likely benign. Last evaluated: 2024-11-25. Review status: criteria provided, single submitter. Criteria: ACMG Guidelines, 2015. Collection method: clinical testing. Allele origin: germline.

PreventionGenetics, part of Exact Sciences
Classification: Likely benign for ACY1-related condition. Last evaluated: 2024-03-27. Review status: no assertion criteria provided. Collection method: clinical testing. Allele origin: germline. Not counted in ClinVar's aggregate classification.
Comment: This variant is classified as likely benign based on ACMG/AMP sequence variant interpretation guidelines (Richards et al. 2015 PMID: 25741868, with internal and published modifications).

NM_000666.3(ACY1):c.1125C>T (p.His375=)

Genes: ABHD14A-ACY1 (ABHD14A-ACY1 readthrough; plus strand), ACY1 (aminoacylase 1; plus strand). Cytogenetic location: 3p21.2.
Variant type: single nucleotide variant.
Coding change: c.1125C>T on transcript NM_000666.3 (MANE Select); coding-DNA position 1125, C replaced by T.
Protein change: p.His375=; no amino-acid change (histidine 375 retained).
Molecular consequence: synonymous variant.
Genome position (GRCh38, 1-based): chr3:51,988,973, C>T. VCF-style: chr3-51988973-C-T. GRCh37 (hg19) VCF-style: chr3-52022989-C-T.
Other names: c.1395C>T, p.His465= (NM_001316331.2); c.1125C>T, p.His375= (NM_001198895.2); c.909C>T, p.His303= (NM_001198896.2); c.930C>T, p.His310= (NM_001198897.2); c.1020C>T, p.His340= (NM_001198898.2).
Identifiers: ClinVar variation 726850 (VCV000726850.10), dbSNP rs148109993, ClinGen allele CA2428766.